The following is an entry in ClinVar:

ClinVar aggregate classification (germline): Uncertain significance (1 of 4 stars; one submission).

Allele frequency attached by ClinVar (database versions not stated): TOPMed below 0.00001; gnomAD 0.00002.
gnomAD v4.1: 4 of 1,613,886 alleles (0.00025%); highest among the groups gnomAD compares: Non-Finnish European, 0.00034%; no homozygotes.

Submission:

Mayo Clinic Laboratories, Mayo Clinic
Classification: Uncertain significance. Last evaluated: 2023-03-31. Review status: criteria provided, single submitter. Criteria: ACMG Guidelines, 2015. Collection method: clinical testing. Allele origin: germline. Observed: 1 variant allele.
Comment: PM2

NM_016156.6(MTMR2):c.277T>C (p.Tyr93His)

Gene: MTMR2 (myotubularin related protein 2; minus strand). Cytogenetic location: 11q21.
Variant type: single nucleotide variant.
Coding change: c.277T>C on transcript NM_016156.6 (MANE Select); coding-DNA position 277, T replaced by C.
Protein change: p.Tyr93His; replaces tyrosine 93 with histidine.
Molecular consequence: missense variant.
Genome position (GRCh38, 1-based): chr11:95,862,352, A>G on the plus strand (T>C on the coding strand, the complement: MTMR2 is on the minus strand). VCF-style: chr11-95862352-A-G. GRCh37 (hg19) VCF-style: chr11-95595516-A-G.
Other names: p.Tyr93His; c.61T>C, p.Tyr21His (NM_001243571.2, NM_201278.3, NM_201281.3); short protein forms Y21H, Y93H.
Identifiers: ClinVar variation 2683165 (VCV002683165.1), dbSNP rs1184835554, ClinGen allele CA382430365.
Genomic context (GRCh38, chr11:95,862,352, plus strand): 5'-ATAACCTATAATTCGTGACAGTCAGAGTTCCTCGTACAGCGCCAGTGAATGGACATATAT[A>G]AGTTACATCTTTGGCTGAAAAAGCAAGAAGTCCACAGTTTACTATACATTATGTGCTATT-3'
Protein context (NP_057240.3, residues 83-103): NIKDMAKDVT[Tyr93His]ICPFTGAVRG